The following is an entry in ClinVar:

NM_000133.4(F9):c.471T>A (p.Cys157Ter)

Gene: F9 (coagulation factor IX; plus strand). Cytogenetic location: Xq27.1.
Variant type: single nucleotide variant.
Coding change: c.471T>A on transcript NM_000133.4 (MANE Select); coding-DNA position 471, T replaced by A.
Protein change: p.Cys157Ter; replaces cysteine 157 with a stop codon.
Molecular consequence: nonsense.
Genome position (GRCh38, 1-based): chrX:139,548,442, T>A. VCF-style: chrX-139548442-T-A. GRCh37 (hg19) VCF-style: chrX-138630601-T-A.
Other names: c.357T>A, p.Cys119Ter (NM_001313913.2); short protein forms C119*, C157*.
Identifiers: ClinVar variation 993550 (VCV000993550.8), dbSNP rs1603265493, ClinGen allele CA414439171.
Genomic context (GRCh38, chrX:139,548,442, plus strand): 5'-GAATGGCAGATGCGAGCAGTTTTGTAAAAATAGTGCTGATAACAAGGTGGTTTGCTCCTG[T>A]ACTGAGGGATATCGACTTGCAGAAAACCAGAAGTCCTGTGAACCAGCAGGTCATAATCTG-3'

ClinVar aggregate classification (germline): Pathogenic (1 of 4 stars; one submission).

Submission:

ARUP Laboratories, Molecular Genetics and Genomics, ARUP Laboratories
Classification: Pathogenic. Last evaluated: 2019-08-08. Review status: criteria provided, single submitter. Criteria: ARUP Molecular Germline Variant Investigation Process. Collection method: clinical testing. Allele origin: germline.
Comment: The F9 c.471T>A; p.Cys157Ter variant, also known as p.Cys111Ter, is reported in the literature in at least one individual affected with severe hemophilia B (Castaldo 2003, Factor IX database and references therein). This variant is absent from general population databases (Exome Variant Server, Genome Aggregation Database), indicating it is not a common polymorphism. This variant induces an early termination codon and is predicted to result in a truncated protein or mRNA subject to nonsense-mediated decay. Based on available information, this variant is considered to be pathogenic. References: Factor IX database: Castaldo G et al. Denaturing HPLC procedure for factor IX gene scanning. Clin Chem. 2003 May;49(5):815-8.